The following is an entry in ClinVar:

NM_006445.4(PRPF8):c.6954_6957dup (p.Leu2320fs)

Gene: PRPF8 (pre-mRNA processing factor 8; minus strand). Cytogenetic location: 17p13.3.
Variant type: Microsatellite.
Coding change: c.6954_6957dup on transcript NM_006445.4 (MANE Select); coding-DNA positions 6954 to 6957, 4 bases duplicated (TCTC; older notation c.6954_6957dupTCTC).
Protein change: p.Leu2320fs; shifts the reading frame from leucine 2320.
Molecular consequence: frameshift variant.
Genome position (GRCh38, 1-based): chr17:1,650,853-1,650,856, GAGA duplicated on the plus strand (TCTC on the coding strand, the reverse complement: PRPF8 is on the minus strand); duplicating any 4 consecutive bases within chr17:1,650,853-1,650,857 gives the same sequence; the c. name uses the placement nearest the transcript's 3' end. VCF-style (leftmost placement, unchanged base first): chr17-1650852-G-GGAGA. GRCh37 (hg19) VCF-style: chr17-1554146-G-GGAGA.
Other names: short protein forms L2320fs.
Identifiers: ClinVar variation 3656195 (VCV003656195.2).
Genomic context (GRCh38, chr17:1,650,852, plus strand): 5'-AGGGAAACGGTCAGGCATACAGGTCCTCCCGATCCGCAGAGTAAACCTCCCCCTCCTGCA[G>GGAGA]GAGAGCAAAGTTGAGGAAGTGAGAGGGCCTGTGCACCTCGTGGTAGAACTCTTTGGGGTT-3'

ClinVar aggregate classification (germline): Pathogenic (1 of 4 stars; one submission).

Submission:

Labcorp Genetics (formerly Invitae), Labcorp
Classification: Pathogenic. Last evaluated: 2024-06-11. Review status: criteria provided, single submitter. Criteria: Invitae Variant Classification Sherloc (09022015). Collection method: clinical testing. Allele origin: germline.
Comment: This sequence change results in a frameshift in the PRPF8 gene (p.Leu2320Serfs*66). While this is not anticipated to result in nonsense mediated decay, it is expected to disrupt the last 16 amino acid(s) of the PRPF8 protein and extend the protein by 49 additional amino acid residues. This variant is not present in population databases (gnomAD no frequency). This variant has not been reported in the literature in individuals affected with PRPF8-related conditions. Algorithms developed to predict the effect of sequence changes on RNA splicing suggest that this variant may create or strengthen a splice site. This variant disrupts a region of the PRPF8 protein in which other variant(s) (p.Tyr2334Asn) have been determined to be pathogenic (PMID: 20232351, 21378395, 28515276; Invitae). This suggests that this is a clinically significant region of the protein, and that variants that disrupt it are likely to be disease-causing. For these reasons, this variant has been classified as Pathogenic.

Literature cited by the submitters: PubMed 20232351; PubMed 21378395; PubMed 28515276.